The following is an entry in ClinVar:

NM_006939.4(SOS2):c.3075+19C>T

Gene: SOS2 (SOS Ras/Rho guanine nucleotide exchange factor 2; minus strand). Cytogenetic location: 14q21.3.
Variant type: single nucleotide variant.
Coding change: c.3075+19C>T on transcript NM_006939.4 (MANE Select); 19 bases into the intron after coding-DNA position 3075, C replaced by T.
Molecular consequence: intron variant.
Genome position (GRCh38, 1-based): chr14:50,134,104, G>A on the plus strand (C>T on the coding strand, the complement: SOS2 is on the minus strand). VCF-style: chr14-50134104-G-A. GRCh37 (hg19) VCF-style: chr14-50600822-G-A.
Identifiers: ClinVar variation 1612194 (VCV001612194.11), dbSNP rs200459376, ClinGen allele CA7176886.

ClinVar aggregate classification (germline): Benign/Likely benign. Review status: criteria provided, multiple submitters, no conflicts (2 of 4 stars). 3 submissions from 3 submitters: Benign (1); Likely benign (2). Last evaluated 2026-01-14.

Conditions:
Noonan syndrome 9 (NS9). Identifiers: Orphanet 648, MedGen C4225282, MONDO:0014691, OMIM 616559.

Allele frequency attached by ClinVar (database versions not stated): ExAC 0.00014; gnomAD exomes 0.00015; 1000 Genomes Project 0.00020; gnomAD 0.00021 and 0.00022; TOPMed 0.00026; 1000 Genomes Project 30x 0.00031; ESP Exome Variant Server 0.00031.
gnomAD v4.1: 103 of 1,195,798 alleles (0.0086%); highest among the groups gnomAD compares: Admixed American, 0.041%; no homozygotes.

Submissions (3):

Labcorp Genetics (formerly Invitae), Labcorp
Classification: Likely benign for Noonan syndrome 9. Last evaluated: 2026-01-14. Review status: criteria provided, single submitter. Criteria: Invitae Variant Classification Sherloc (09022015). Collection method: clinical testing. Allele origin: germline.

Blueprint Genetics
Classification: Likely benign. Last evaluated: 2024-11-19. Review status: criteria provided, single submitter. Criteria: ACMG Guidelines, 2015. Collection method: clinical testing. Allele origin: germline.

Women's Health and Genetics/Laboratory Corporation of America, LabCorp
Classification: Benign. Last evaluated: 2024-03-25. Review status: criteria provided, single submitter. Criteria: LabCorp Variant Classification Summary - May 2015. Collection method: clinical testing. Allele origin: germline.
Comment: Variant summary: SOS2 c.3075+19C>T alters a non-conserved nucleotide located at a position not widely known to affect splicing. Consensus agreement among computation tools predict no significant impact on normal splicing. However, these predictions have yet to be confirmed by functional studies. The variant allele was found at a frequency of 0.00015 in 241070 control chromosomes. The observed variant frequency is approximately 60 fold of the estimated maximal expected allele frequency for a pathogenic variant in SOS2 causing Noonan Syndrome phenotype (2.5e-06), strongly suggesting that the variant is benign. To our knowledge, no occurrence of c.3075+19C>T in individuals affected with Noonan Syndrome and no experimental evidence demonstrating its impact on protein function have been reported. ClinVar contains an entry for this variant (Variation ID: 1612194). Based on the evidence outlined above, the variant was classified as benign.